The following is an entry in ClinVar:

NM_017755.6(NSUN2):c.21T>C (p.Gly7=)

Gene: NSUN2 (NOP2/Sun RNA methyltransferase 2; minus strand). Cytogenetic location: 5p15.31.
Variant type: single nucleotide variant.
Coding change: c.21T>C on transcript NM_017755.6 (MANE Select); coding-DNA position 21, T replaced by C.
Protein change: p.Gly7=; no amino-acid change (glycine 7 retained).
Molecular consequence: synonymous variant. On other transcripts: non-coding transcript variant (1).
Genome position (GRCh38, 1-based): chr5:6,632,959, A>G on the plus strand (T>C on the coding strand, the complement: NSUN2 is on the minus strand). VCF-style: chr5-6632959-A-G. GRCh37 (hg19) VCF-style: chr5-6633072-A-G.
Other names: c.21T>C, p.Gly7= (NM_001193455.2).
Identifiers: ClinVar variation 129840 (VCV000129840.27), dbSNP rs184594943, ClinGen allele CA154168.

ClinVar aggregate classification (germline): Benign/Likely benign. Review status: criteria provided, multiple submitters, no conflicts (2 of 4 stars). 8 submissions from 8 submitters: Benign (3); Likely benign (3). 2 of the submissions do not count toward it. Last evaluated 2026-02-03.

Conditions:
NSUN2-related disorder. Also called: NSUN2-related condition.
Inborn genetic diseases. Identifiers: MedGen C0950123, MeSH D030342.
Intellectual developmental disorder, autosomal recessive 5. Also called: Intellectual disability, autosomal recessive 5. Identifiers: Orphanet 88616, MedGen C1970199, MONDO:0012613, OMIM 611091.

Allele frequency attached by ClinVar (database versions not stated): 1000 Genomes Project 0.01138; ESP Exome Variant Server 0.01157; 1000 Genomes Project 30x 0.01218; TOPMed 0.01651; gnomAD 0.01714 and 0.01729; gnomAD exomes 0.01737 and 0.02549; ExAC 0.02892.
gnomAD v4.1: 36,474 of 1,489,354 alleles (2.4%); highest among the groups gnomAD compares: Non-Finnish European, 2.8%; 545 homozygotes.

Submissions (8):

Labcorp Genetics (formerly Invitae), Labcorp
Classification: Benign. Last evaluated: 2026-02-03. Review status: criteria provided, single submitter. Criteria: Invitae Variant Classification Sherloc (09022015). Collection method: clinical testing. Allele origin: germline.

Blueprint Genetics
Classification: Likely benign. Last evaluated: 2024-11-26. Review status: criteria provided, single submitter. Criteria: ACMG Guidelines, 2015. Collection method: clinical testing. Allele origin: germline.

GeneDx
Classification: Likely benign. Last evaluated: 2020-10-29. Review status: criteria provided, single submitter. Criteria: GeneDx Variant Classification Process June 2021. Collection method: clinical testing. Allele origin: germline. Affected: yes.

Illumina Laboratory Services, Illumina
Classification: Benign for Intellectual developmental disorder, autosomal recessive 5. Last evaluated: 2018-01-13. Review status: criteria provided, single submitter. Criteria: ICSL Variant Classification Criteria 13 December 2019. Collection method: clinical testing. Allele origin: germline.
Comment: This variant was observed in the ICSL laboratory as part of a predisposition screen in an ostensibly healthy population. It had not been previously curated by ICSL or reported in the Human Gene Mutation Database (HGMD: prior to June 1st, 2018), and was therefore a candidate for classification through an automated scoring system. Utilizing variant allele frequency, disease prevalence and penetrance estimates, and inheritance mode, an automated score was calculated to assess if this variant is too frequent to cause the disease. Based on the score and internal cut-off values, a variant classified as benign is not then subjected to further curation. The score for this variant resulted in a classification of benign for this disease.

Ambry Genetics
Classification: Benign for Inborn genetic diseases. Last evaluated: 2016-03-19. Review status: criteria provided, single submitter. Criteria: Ambry Variant Classification Scheme 2023. Collection method: clinical testing. Allele origin: germline.

Breakthrough Genomics
Classification: Likely benign. Review status: criteria provided, single submitter. Criteria: ACMG Guidelines, 2015. Collection method: not provided. Allele origin: germline. Inheritance: Autosomal recessive inheritance. Affected: yes.

PreventionGenetics, part of Exact Sciences
Classification: Benign for NSUN2-related condition. Last evaluated: 2019-03-07. Review status: no assertion criteria provided. Collection method: clinical testing. Allele origin: germline. Not counted in ClinVar's aggregate classification.
Comment: This variant is classified as benign based on ACMG/AMP sequence variant interpretation guidelines (Richards et al. 2015 PMID: 25741868, with internal and published modifications).

Genetic Services Laboratory, University of Chicago
Classification: Likely benign for AllHighlyPenetrant. Review status: no assertion criteria provided. Collection method: clinical testing. Allele origin: germline. Inheritance: Autosomal recessive inheritance. Not counted in ClinVar's aggregate classification.
Comment: Likely benign based on allele frequency in 1000 Genomes Project or ESP global frequency and its presence in a patient with a rare or unrelated disease phenotype. NOT Sanger confirmed.